The following is an entry in ClinVar:

ClinVar aggregate classification (germline): Uncertain significance (1 of 4 stars; one submission).

Conditions:
Inborn genetic diseases. Identifiers: MedGen C0950123, MeSH D030342.

gnomAD v4.1: 20 of 1,613,136 alleles (0.0012%); highest among the groups gnomAD compares: Admixed American, 0.0033%; no homozygotes.

Submission:

Ambry Genetics
Classification: Uncertain significance for Inborn genetic diseases. Last evaluated: 2026-02-10. Review status: criteria provided, single submitter. Criteria: Ambry Variant Classification Scheme 2023. Collection method: clinical testing. Allele origin: germline.
Comment: The c.425G>A (p.R142H) alteration is located in exon 4 (coding exon 4) of the TBC1D23 gene. This alteration results from a G to A substitution at nucleotide position 425, causing the arginine (R) at amino acid position 142 to be replaced by a histidine (H). Based on data from gnomAD, the A allele has an overall frequency of 0.003% (7/282602) total alleles studied. The highest observed frequency was 0.006% (2/35428) of Latino alleles. Based on insufficient or conflicting evidence, the clinical significance of this alteration remains unclear.

NM_001199198.3(TBC1D23):c.425G>A (p.Arg142His)

Gene: TBC1D23 (TBC1 domain family member 23; plus strand). Cytogenetic location: 3q12.1.
Variant type: single nucleotide variant.
Coding change: c.425G>A on transcript NM_001199198.3 (MANE Select); coding-DNA position 425, G replaced by A.
Protein change: p.Arg142His; replaces arginine 142 with histidine.
Molecular consequence: missense variant.
Genome position (GRCh38, 1-based): chr3:100,283,760, G>A. VCF-style: chr3-100283760-G-A. GRCh37 (hg19) VCF-style: chr3-100002604-G-A.
Other names: c.425G>A, p.Arg142His (NM_018309.5); short protein forms R142H.
Identifiers: ClinVar variation 4839813 (VCV004839813.1).